The following is an entry in ClinVar:

ClinVar aggregate classification (germline): Uncertain significance (1 of 4 stars; one submission).

Conditions:
Autosomal dominant slowed nerve conduction velocity. Identifiers: Orphanet 140481, MedGen C1842357, MONDO:0011998, OMIM 608236.

Submission:

MGZ Medical Genetics Center
Classification: Uncertain significance for Autosomal dominant slowed nerve conduction velocity. Last evaluated: 2021-11-04. Review status: criteria provided, single submitter. Criteria: ACMG Guidelines, 2015. Collection method: clinical testing. Allele origin: germline. Affected: yes. Observed: 2 variant alleles.
Comment: ACMG criteria applied: PVS1_MOD, PM2_SUP

NM_014629.4(ARHGEF10):c.1076-3_1076-2delinsTG

Gene: ARHGEF10 (Rho guanine nucleotide exchange factor 10; plus strand). Cytogenetic location: 8p23.3.
Variant type: Indel.
Coding change: c.1076-3_1076-2delinsTG on transcript NM_014629.4 (MANE Select); 3 bases into the intron before coding-DNA position 1076 through the canonical splice acceptor site of the intron before coding-DNA position 1076, AA replaced by TG.
Molecular consequence: splice acceptor variant.
Genome position (GRCh38, 1-based): chr8:1,885,598-1,885,599, AA replaced by TG. VCF-style: chr8-1885598-AA-TG. GRCh37 (hg19) VCF-style: chr8-1833764-AA-TG.
Other names: c.962-3_962-2delinsTG (NM_001438092.1, NM_001308152.2, NM_001438094.1); c.1079-3_1079-2delinsTG (NM_001438091.1, NM_001308153.3); c.959-3_959-2delinsTG (NM_001438093.1).
Identifiers: ClinVar variation 1709815 (VCV001709815.2), dbSNP rs2537251289, ClinGen allele CA2580077986.
Genomic context (GRCh38, chr8:1,885,598, plus strand): 5'-ACTGTAGTGTTGTGAATATATTATTTGAATGTAAAATTCATGCATTTTGACTTTTTTTTT[AA>TG]GATCACAGATCTTCTCTTGAGGAAGAACAGAATTTGTTCATTGATGTTGACTGCAAGCAC-3'